The following is an entry in ClinVar:

ClinVar aggregate classification (germline): Likely pathogenic (1 of 4 stars; one submission).

Conditions:
Contractures, pterygia, and variable skeletal fusions syndrome 1B. Also called: CONTRACTURES, PTERYGIA, AND SPONDYLOCARPOTARSAL FUSION SYNDROME 1B. Identifiers: MedGen C5193114, MONDO:0020746, OMIM 618469.

Submission:

3billion
Classification: Likely pathogenic for Contractures, pterygia, and variable skeletal fusions syndrome 1B. Last evaluated: 2025-02-07. Review status: criteria provided, single submitter. Criteria: ACMG Guidelines, 2015. Collection method: clinical testing. Allele origin: germline. Affected: yes.
Comment: The variant is not observed in the gnomAD v4.1.0 dataset. Predicted Consequence/Location: Frameshift: predicted to result in a loss or disruption of normal protein function through nonsense-mediated decay (NMD) or protein truncation. Multiple pathogenic variants are reported downstream of the variant. Therefore, this variant is classified as Likely pathogenic according to the recommendation of ACMG/AMP guideline.

NM_002470.4(MYH3):c.4179del (p.Lys1393fs)

Gene: MYH3 (myosin heavy chain 3; minus strand). Cytogenetic location: 17p13.1.
Variant type: Deletion.
Coding change: c.4179del on transcript NM_002470.4 (MANE Select); coding-DNA position 4179, one base deleted (A; older notation c.4179delA).
Protein change: p.Lys1393fs; shifts the reading frame from lysine 1393.
Molecular consequence: frameshift variant.
Genome position (GRCh38, 1-based): chr17:10,635,017, T deleted on the plus strand (A on the coding strand, the reverse complement: MYH3 is on the minus strand); the first of 6 consecutive T bases (chr17:10,635,017-10,635,022); deleting any one gives the same sequence. VCF-style (leftmost placement, unchanged base first): chr17-10635016-GT-G. GRCh37 (hg19) VCF-style: chr17-10538333-GT-G.
Other names: short protein forms K1393fs.
Identifiers: ClinVar variation 4291831 (VCV004291831.1).